The following is an entry in ClinVar:

ClinVar aggregate classification (germline): Benign (1 of 4 stars; one submission).

Conditions:
Familial cancer of breast. Also called: BREAST CANCER, FAMILIAL; Hereditary breast cancer; hereditary breast carcinoma. Identifiers: Orphanet 227535, MedGen C0346153, MONDO:0016419, OMIM 114480. Disease mechanism: loss of function.

Submission:

Myriad Genetics, Inc.
Classification: Benign for Familial cancer of breast. Last evaluated: 2024-05-07. Review status: criteria provided, single submitter. Criteria: Myriad Autosomal Dominant, Autosomal Recessive and X-Linked Classification Criteria (2023). Collection method: clinical testing. Allele origin: unknown.
Comment: This variant is considered benign. This variant is a silent/synonymous amino acid change and it is not expected to impact splicing.

NM_000051.4(ATM):c.2118A>C (p.Ser706=)

Gene: ATM (ATM serine/threonine kinase; plus strand). Cytogenetic location: 11q22.3.
Variant type: single nucleotide variant.
Coding change: c.2118A>C on transcript NM_000051.4 (MANE Select); coding-DNA position 2118, A replaced by C.
Protein change: p.Ser706=; no amino-acid change (serine 706 retained).
Molecular consequence: synonymous variant.
Genome position (GRCh38, 1-based): chr11:108,254,033, A>C. VCF-style: chr11-108254033-A-C. GRCh37 (hg19) VCF-style: chr11-108124760-A-C.
Other names: c.2118A>C, p.Ser706= (NM_001351834.2).
Identifiers: ClinVar variation 3253925 (VCV003253925.1), dbSNP rs2080318126.